The following is an entry in ClinVar:

ClinVar aggregate classification (germline): Uncertain significance (1 of 4 stars; one submission).

Submission:

Labcorp Genetics (formerly Invitae), Labcorp
Classification: Uncertain significance. Last evaluated: 2022-09-13. Review status: criteria provided, single submitter. Criteria: Invitae Variant Classification Sherloc (09022015). Collection method: clinical testing. Allele origin: germline.
Comment: This sequence change creates a premature translational stop signal (p.Glu175Aspfs*84) in the LHX3 gene. While this is not anticipated to result in nonsense mediated decay, it is expected to disrupt the last 228 amino acid(s) of the LHX3 protein. This variant is not present in population databases (gnomAD no frequency). This variant has not been reported in the literature in individuals affected with LHX3-related conditions. This variant disrupts a region of the LHX3 protein in which other variant(s) (p.Thr199Arg ) have been observed in individuals with LHX3-related conditions (PMID: 22286346). This suggests that this is a clinically significant region of the protein, and that variants that disrupt it are likely to be disease-causing. In summary, the available evidence is currently insufficient to determine the role of this variant in disease. Therefore, it has been classified as a Variant of Uncertain Significance.

Literature cited by the submitters: PubMed 22286346.

NM_178138.6(LHX3):c.507_508del (p.Glu170fs)

Gene: LHX3 (LIM homeobox 3; minus strand). Cytogenetic location: 9q34.3.
Variant type: Deletion.
Coding change: c.507_508del on transcript NM_178138.6 (MANE Select); coding-DNA positions 507 to 508, 2 bases deleted (GG; older notation c.507_508delGG).
Protein change: p.Glu170fs; shifts the reading frame from glutamic acid 170.
Molecular consequence: frameshift variant.
Genome position (GRCh38, 1-based): chr9:136,199,006-136,199,007, CC deleted on the plus strand (GG on the coding strand, the reverse complement: LHX3 is on the minus strand). VCF-style (leftmost placement, unchanged base first): chr9-136199005-TCC-T. GRCh37 (hg19) VCF-style: chr9-139090851-TCC-T.
Other names: c.474_475del, p.Glu159fs (NM_001363746.1); c.522_523del, p.Glu175fs (NM_014564.5); short protein forms E170fs, E175fs, E159fs.
Identifiers: ClinVar variation 1996466 (VCV001996466.1), dbSNP rs2490911068, ClinGen allele CA2580080124.